The following is an entry in ClinVar:

ClinVar aggregate classification (germline): Uncertain significance (1 of 4 stars; one submission).

gnomAD v4.1: 1 of 1,593,578 alleles (0.000063%); highest among the groups gnomAD compares: East Asian, 0.0023%; no homozygotes.

Submission:

Women's Health and Genetics/Laboratory Corporation of America, LabCorp
Classification: Uncertain significance. Last evaluated: 2025-11-10. Review status: criteria provided, single submitter. Criteria: LabCorp Variant Classification Summary - May 2015. Collection method: clinical testing. Allele origin: germline.
Comment: Variant summary: AMOTL1 c.1792G>A (p.Glu598Lys) results in a conservative amino acid change in the encoded protein sequence. Algorithms developed to predict the effect of missense changes on protein structure and function are either unavailable or do not agree on the potential impact of this missense change. Consensus agreement among computation tools predict no significant impact on normal splicing. However, these predictions have yet to be confirmed by functional studies. The frequency data for this variant in gnomAD is considered unreliable, as metrics indicate poor data quality at this position. To our knowledge, no occurrence of c.1792G>A in individuals affected with AMOTL1-related conditions and no experimental evidence demonstrating its impact on protein function have been reported. No submitters have cited clinical-significance assessments for this variant to ClinVar. Based on the evidence outlined above, the variant was classified as uncertain significance.

NM_130847.3(AMOTL1):c.1792G>A (p.Glu598Lys)

Gene: AMOTL1 (angiomotin like 1; plus strand). Cytogenetic location: 11q21.
Variant type: single nucleotide variant.
Coding change: c.1792G>A on transcript NM_130847.3 (MANE Select); coding-DNA position 1792, G replaced by A.
Protein change: p.Glu598Lys; replaces glutamic acid 598 with lysine.
Molecular consequence: missense variant.
Genome position (GRCh38, 1-based): chr11:94,850,257, G>A. VCF-style: chr11-94850257-G-A. GRCh37 (hg19) VCF-style: chr11-94583422-G-A.
Other names: c.1642G>A, p.Glu548Lys (NM_001301007.2); short protein forms E548K, E598K.
Identifiers: ClinVar variation 4536924 (VCV004536924.1).